The following is an entry in ClinVar:

ClinVar aggregate classification (germline): Benign/Likely benign. Review status: criteria provided, multiple submitters, no conflicts (2 of 4 stars). 11 submissions from 11 submitters: Benign (2); Likely benign (5). 4 of the submissions do not count toward it. Last evaluated 2026-02-04.

Conditions:
Alstrom syndrome (ALMS). Identifiers: Orphanet 64, MedGen C0268425, MONDO:0008763, OMIM 203800.
Cardiovascular phenotype. Identifiers: MedGen CN230736.

Allele frequency attached by ClinVar (database versions not stated): 1000 Genomes Project 0.00100; 1000 Genomes Project 30x 0.00125; TOPMed 0.00183; ExAC 0.00221; gnomAD exomes 0.00227; gnomAD 0.00243 and 0.00245; ESP Exome Variant Server 0.00271.
gnomAD v4.1: 4,699 of 1,613,564 alleles (0.29%); highest among the groups gnomAD compares: Non-Finnish European, 0.33%; 9 homozygotes.

Submissions (11):

Labcorp Genetics (formerly Invitae), Labcorp
Classification: Benign for Alstrom syndrome. Last evaluated: 2026-02-04. Review status: criteria provided, single submitter. Criteria: Invitae Variant Classification Sherloc (09022015). Collection method: clinical testing. Allele origin: germline.

CeGaT Center for Human Genetics Tuebingen
Classification: Likely benign. Last evaluated: 2026-01-01. Review status: criteria provided, single submitter. Criteria: CeGaT Center For Human Genetics Tuebingen Variant Classification Criteria Version 2. Collection method: clinical testing. Allele origin: germline. Affected: yes. Observed: 20 variant alleles.
Comment: ALMS1: BP4, BP7

Blueprint Genetics
Classification: Likely benign. Last evaluated: 2024-11-26. Review status: criteria provided, single submitter. Criteria: ACMG Guidelines, 2015. Collection method: clinical testing. Allele origin: germline.

Pars Genome Lab
Classification: Likely benign for Alstrom syndrome. Last evaluated: 2021-05-18. Review status: criteria provided, single submitter. Criteria: ACMG Guidelines, 2015. Collection method: clinical testing. Allele origin: germline. Affected: no.

GeneDx
Classification: Likely benign. Last evaluated: 2020-11-11. Review status: criteria provided, single submitter. Criteria: GeneDx Variant Classification Process June 2021. Collection method: clinical testing. Allele origin: germline. Affected: yes.

Women's Health and Genetics/Laboratory Corporation of America, LabCorp
Classification: Benign. Last evaluated: 2019-04-22. Review status: criteria provided, single submitter. Criteria: LabCorp Variant Classification Summary - May 2015. Collection method: clinical testing. Allele origin: germline.
Comment: Variant summary: ALMS1 c.9819C>G (also known as c.9825C>G) alters a non-conserved nucleotide resulting in a synonymous change. 4/4 computational tools predict no significant impact on normal splicing. However, these predictions have yet to be confirmed by functional studies. The variant allele was found at a frequency of 0.0023 in 249364 control chromosomes, predominantly at a frequency of 0.0029 within the Non-Finnish European subpopulation in the gnomAD database. The observed variant frequency within Non-Finnish European control individuals in the gnomAD database is approximately 1.3 fold of the estimated maximal expected allele frequency for a pathogenic variant in ALMS1 causing Cardiomyopathy phenotype (0.0022), strongly suggesting that the variant is a benign polymorphism found primarily in populations of Non-Finnish European origin. To our knowledge, no occurrence of c.9819C>G in individuals affected with Cardiomyopathy and no experimental evidence demonstrating its impact on protein function have been reported. Three clinical diagnostic laboratories have submitted clinical-significance assessments for this variant to ClinVar after 2014 without evidence for independent evaluation (2x Benign/likely benign ; 1x uncertain significance). Based on the evidence outlined above, the variant was classified as benign.

Ambry Genetics
Classification: Likely benign for Cardiovascular phenotype. Last evaluated: 2019-01-30. Review status: criteria provided, single submitter. Criteria: Ambry Variant Classification Scheme 2023. Collection method: clinical testing. Allele origin: germline.

Natera, Inc.
Classification: Likely benign for Alstrom syndrome. Last evaluated: 2019-10-22. Review status: no assertion criteria provided. Collection method: clinical testing. Allele origin: germline. Not counted in ClinVar's aggregate classification.

Clinical Genetics DNA and cytogenetics Diagnostics Lab, Erasmus MC, Erasmus Medical Center
Classification: Likely benign. Review status: no assertion criteria provided. Collection method: clinical testing. Allele origin: germline. Affected: yes. Study: VKGL Data-share Consensus. Not counted in ClinVar's aggregate classification.

Clinical Genetics, Academic Medical Center
Classification: Benign. Review status: no assertion criteria provided. Collection method: clinical testing. Allele origin: germline. Affected: yes. Study: VKGL Data-share Consensus. Not counted in ClinVar's aggregate classification.

Genome Diagnostics Laboratory, University Medical Center Utrecht
Classification: Likely benign. Review status: no assertion criteria provided. Collection method: clinical testing. Allele origin: germline. Affected: yes. Study: VKGL Data-share Consensus. Not counted in ClinVar's aggregate classification.

NM_001378454.1(ALMS1):c.9822C>G (p.Thr3274=)

Gene: ALMS1 (ALMS1 centrosome and basal body associated protein; plus strand). Cytogenetic location: 2p13.1.
Variant type: single nucleotide variant.
Coding change: c.9822C>G on transcript NM_001378454.1 (MANE Select); coding-DNA position 9822, C replaced by G.
Protein change: p.Thr3274=; no amino-acid change (threonine 3274 retained).
Molecular consequence: synonymous variant.
Genome position (GRCh38, 1-based): chr2:73,534,864, C>G. VCF-style: chr2-73534864-C-G. GRCh37 (hg19) VCF-style: chr2-73761991-C-G.
Other names: c.9825C>G, p.Thr3275= (NM_015120.4).
Identifiers: ClinVar variation 374508 (VCV000374508.63), dbSNP rs201446579, ClinGen allele CA1714785.